The following is an entry in ClinVar:

NM_006019.4(TCIRG1):c.1104G>A (p.Thr368=)

Gene: TCIRG1 (T cell immune regulator 1, ATPase H+ transporting V0 subunit a3; plus strand). Cytogenetic location: 11q13.2.
Variant type: single nucleotide variant.
Coding change: c.1104G>A on transcript NM_006019.4 (MANE Select); coding-DNA position 1104, G replaced by A.
Protein change: p.Thr368=; no amino-acid change (threonine 368 retained).
Molecular consequence: synonymous variant.
Genome position (GRCh38, 1-based): chr11:68,045,041, G>A. VCF-style: chr11-68045041-G-A. GRCh37 (hg19) VCF-style: chr11-67812508-G-A.
Other names: c.210G>A, p.Thr70= (NM_001351059.2); c.456G>A, p.Thr152= (NM_006053.4).
Identifiers: ClinVar variation 2180469 (VCV002180469.2), dbSNP rs1254116216, ClinGen allele CA475448380.

ClinVar aggregate classification (germline): Uncertain significance (1 of 4 stars; one submission).

Allele frequency attached by ClinVar (database versions not stated): gnomAD exomes 0.00001.
gnomAD v4.1: 5 of 1,606,820 alleles (0.00031%); highest among the groups gnomAD compares: East Asian, 0.0022%; no homozygotes.

Submission:

Labcorp Genetics (formerly Invitae), Labcorp
Classification: Uncertain significance. Last evaluated: 2025-08-29. Review status: criteria provided, single submitter. Criteria: Invitae Variant Classification Sherloc (09022015). Collection method: clinical testing. Allele origin: germline.
Comment: This sequence change affects codon 368 of the TCIRG1 mRNA. It is a 'silent' change, meaning that it does not change the encoded amino acid sequence of the TCIRG1 protein. This variant is present in population databases (no rsID available, gnomAD 0.006%). This variant has not been reported in the literature in individuals affected with TCIRG1-related conditions. ClinVar contains an entry for this variant (Variation ID: 2180469). Algorithms developed to predict the effect of sequence changes on RNA splicing suggest that this variant may create or strengthen a splice site. In summary, the available evidence is currently insufficient to determine the role of this variant in disease. Therefore, it has been classified as a Variant of Uncertain Significance.